The following is an entry in ClinVar:

ClinVar aggregate classification (germline): Uncertain significance (1 of 4 stars; one submission).

Conditions:
Hereditary cancer-predisposing syndrome. Also called: Neoplastic Syndromes, Hereditary; Tumor predisposition; Hereditary neoplastic syndrome; Hereditary Cancer Syndrome. Identifiers: Orphanet 140162, MedGen C0027672, MeSH D009386, MONDO:0015356.

Submission:

Ambry Genetics
Classification: Uncertain significance for Hereditary cancer-predisposing syndrome. Last evaluated: 2023-01-03. Review status: criteria provided, single submitter. Criteria: Ambry Variant Classification Scheme 2023. Collection method: clinical testing. Allele origin: germline.
Comment: The c.410-111C>T intronic variant results from a C to T substitution 111 nucleotides upstream from coding exon 3 in the TMEM127 gene. This nucleotide position is well conserved in available vertebrate species. In silico splice site analysis predicts that this alteration will result in the creation or strengthening of a novel splice donor site. RNA studies have demonstrated that this alteration results in abnormal splicing in the set of samples tested; however, the observed splicing is not expected to undergo nonsense-mediated decay and the clinical impact of this abnormal splicing is unknown at this time (Ambry internal data). Since supporting evidence is limited at this time, the clinical significance of this alteration remains unclear.

NM_017849.4(TMEM127):c.410-111C>T

Gene: TMEM127 (transmembrane protein 127; minus strand). Cytogenetic location: 2q11.2.
Variant type: single nucleotide variant.
Coding change: c.410-111C>T on transcript NM_017849.4 (MANE Select); 111 bases into the intron before coding-DNA position 410, C replaced by T.
Molecular consequence: intron variant.
Genome position (GRCh38, 1-based): chr2:96,254,226, G>A on the plus strand (C>T on the coding strand, the complement: TMEM127 is on the minus strand). VCF-style: chr2-96254226-G-A. GRCh37 (hg19) VCF-style: chr2-96919964-G-A.
Other names: c.158-111C>T (NM_001407283.1, NM_001407282.1); c.410-111C>T (NM_001193304.3).
Identifiers: ClinVar variation 3227077 (VCV003227077.1), dbSNP rs895675268, ClinGen allele CA2825001168.